The following is an entry in ClinVar:

ClinVar aggregate classification (germline): Pathogenic (1 of 4 stars; one submission).

Submission:

Labcorp Genetics (formerly Invitae), Labcorp
Classification: Pathogenic. Last evaluated: 2025-05-31. Review status: criteria provided, single submitter. Criteria: Invitae Variant Classification Sherloc (09022015). Collection method: clinical testing. Allele origin: germline.
Comment: This sequence change creates a premature translational stop signal (p.Ala1541Glyfs*12) in the TRIOBP gene. It is expected to result in an absent or disrupted protein product. Loss-of-function variants in TRIOBP are known to be pathogenic (PMID: 16385457, 16385458, 20510926). This variant is not present in population databases (gnomAD no frequency). This variant has not been reported in the literature in individuals affected with TRIOBP-related conditions. For these reasons, this variant has been classified as Pathogenic.

Literature cited by the submitters: PubMed 16385457; PubMed 16385458; PubMed 20510926.

NM_001039141.3(TRIOBP):c.4621dup (p.Ala1541fs)

Gene: TRIOBP (TRIO and F-actin binding protein; plus strand). Cytogenetic location: 22q13.1.
Variant type: Duplication.
Coding change: c.4621dup on transcript NM_001039141.3 (MANE Select); coding-DNA position 4621, one base duplicated (G; older notation c.4621dupG).
Protein change: p.Ala1541fs; shifts the reading frame from alanine 1541.
Molecular consequence: frameshift variant.
Genome position (GRCh38, 1-based): chr22:37,734,957, G duplicated; the last of 6 consecutive G bases (chr22:37,734,952-37,734,957); duplicating any one gives the same sequence. VCF-style (leftmost placement, unchanged base first): chr22-37734951-T-TG. GRCh37 (hg19) VCF-style: chr22-38130958-T-TG.
Other names: short protein forms A1541fs.
Identifiers: ClinVar variation 4694273 (VCV004694273.1).